The following is an entry in ClinVar:

NM_000057.4(BLM):c.2740G>A (p.Ala914Thr)

Gene: BLM (BLM RecQ like helicase; plus strand). Cytogenetic location: 15q26.1.
Variant type: single nucleotide variant.
Coding change: c.2740G>A on transcript NM_000057.4 (MANE Select); coding-DNA position 2740, G replaced by A.
Protein change: p.Ala914Thr; replaces alanine 914 with threonine.
Molecular consequence: missense variant.
Genome position (GRCh38, 1-based): chr15:90,784,998, G>A. VCF-style: chr15-90784998-G-A. GRCh37 (hg19) VCF-style: chr15-91328228-G-A.
Other names: c.2740G>A, p.Ala914Thr (NM_001287246.2, NM_001287247.2); c.1615G>A, p.Ala539Thr (NM_001287248.2); short protein forms A914T, A539T.
Identifiers: ClinVar variation 524785 (VCV000524785.23), dbSNP rs372013507, ClinGen allele CA7738865.

ClinVar aggregate classification (germline): Uncertain significance. Review status: criteria provided, multiple submitters, no conflicts (2 of 4 stars). 5 submissions from 5 submitters: Uncertain significance (4). 1 of the submissions does not count toward it. Last evaluated 2025-12-08.

Conditions:
Bloom syndrome (BLM). Also called: Bloom-Torre-Machacek syndrome. Identifiers: Orphanet 125, MedGen C0005859, MONDO:0008876, OMIM 210900.
Hereditary cancer-predisposing syndrome. Also called: Neoplastic Syndromes, Hereditary; Hereditary neoplastic syndrome; Tumor predisposition; Hereditary Cancer Syndrome. Identifiers: Orphanet 140162, MedGen C0027672, MeSH D009386, MONDO:0015356.

Allele frequency attached by ClinVar (database versions not stated): gnomAD 0.00001; gnomAD exomes 0.00002 and 0.00007; TOPMed 0.00002; ExAC 0.00004; ESP Exome Variant Server 0.00015.
gnomAD v4.1: 100 of 1,614,024 alleles (0.0062%); highest among the groups gnomAD compares: Non-Finnish European, 0.0081%; no homozygotes.

Submissions (5):

Labcorp Genetics (formerly Invitae), Labcorp
Classification: Uncertain significance for Bloom syndrome. Last evaluated: 2025-12-08. Review status: criteria provided, single submitter. Criteria: Invitae Variant Classification Sherloc (09022015). Collection method: clinical testing. Allele origin: germline.
Comment: This sequence change replaces alanine, which is neutral and non-polar, with threonine, which is neutral and polar, at codon 914 of the BLM protein (p.Ala914Thr). This variant is present in population databases (rs372013507, gnomAD 0.004%). This variant has not been reported in the literature in individuals affected with BLM-related conditions. ClinVar contains an entry for this variant (Variation ID: 524785). Invitae Evidence Modeling of protein sequence and biophysical properties (such as structural, functional, and spatial information, amino acid conservation, physicochemical variation, residue mobility, and thermodynamic stability) indicates that this missense variant is not expected to disrupt BLM protein function with a negative predictive value of 80%. In summary, the available evidence is currently insufficient to determine the role of this variant in disease. Therefore, it has been classified as a Variant of Uncertain Significance.

GeneDx
Classification: Uncertain significance. Last evaluated: 2024-08-30. Review status: criteria provided, single submitter. Criteria: GeneDx Variant Classification Process June 2021. Collection method: clinical testing. Allele origin: germline. Affected: yes.
Comment: Not observed at significant frequency in large population cohorts (gnomAD); In silico analysis indicates that this missense variant does not alter protein structure/function; Has not been previously published as pathogenic or benign to our knowledge

Ambry Genetics
Classification: Uncertain significance for Hereditary cancer-predisposing syndrome. Last evaluated: 2024-07-26. Review status: criteria provided, single submitter. Criteria: Ambry Variant Classification Scheme 2023. Collection method: clinical testing. Allele origin: germline.

Illumina Laboratory Services, Illumina
Classification: Uncertain significance for Bloom syndrome. Last evaluated: 2017-04-27. Review status: criteria provided, single submitter. Criteria: ICSL Variant Classification Criteria 13 December 2019. Collection method: clinical testing. Allele origin: germline.

Natera, Inc.
Classification: Uncertain significance for Bloom syndrome. Last evaluated: 2017-11-15. Review status: no assertion criteria provided. Collection method: clinical testing. Allele origin: germline. Not counted in ClinVar's aggregate classification.